The following is an entry in ClinVar:

NM_000222.3(KIT):c.1477G>A (p.Ala493Thr)

Gene: KIT (KIT proto-oncogene, receptor tyrosine kinase; plus strand). Cytogenetic location: 4q12.
Variant type: single nucleotide variant.
Coding change: c.1477G>A on transcript NM_000222.3 (MANE Select); coding-DNA position 1477, G replaced by A.
Protein change: p.Ala493Thr; replaces alanine 493 with threonine.
Molecular consequence: missense variant.
Genome position (GRCh38, 1-based): chr4:54,725,987, G>A. VCF-style: chr4-54725987-G-A. GRCh37 (hg19) VCF-style: chr4-55592153-G-A.
Other names: c.1477G>A, p.Ala493Thr (NM_001093772.2, NM_001385285.1, NM_001385286.1); c.1480G>A, p.Ala494Thr (NM_001385284.1, NM_001385288.1, NM_001385290.1 and 1 more transcripts); short protein forms A493T, A494T.
Identifiers: ClinVar variation 639132 (VCV000639132.11), dbSNP rs1577992484, ClinGen allele CA356906482.
Genomic context (GRCh38, chr4:54,725,987, plus strand): 5'-GTGGTTCAGAGTTCTATAGATTCTAGTGCATTCAAGCACAATGGCACGGTTGAATGTAAG[G>A]CTTACAACGATGTGGGCAAGACTTCTGCCTATTTTAACTTTGCATTTAAAGGTAACAACA-3'
Protein context (NP_000213.1, residues 483-503): FKHNGTVECK[Ala493Thr]YNDVGKTSAY

ClinVar aggregate classification (germline): Uncertain significance (1 of 4 stars; one submission).

Conditions:
Gastrointestinal stromal tumor. Also called: Gastrointestinal stromal tumor, somatic; Gastrointestinal stroma tumor. Identifiers: Orphanet 44890, MedGen C0238198, MeSH D046152, MONDO:0011719, OMIM 606764, HP:0100723.

Submission:

Labcorp Genetics (formerly Invitae), Labcorp
Classification: Uncertain significance for Gastrointestinal stromal tumor. Last evaluated: 2019-05-02. Review status: criteria provided, single submitter. Criteria: Invitae Variant Classification Sherloc (09022015). Collection method: clinical testing. Allele origin: germline.
Comment: In summary, the available evidence is currently insufficient to determine the role of this variant in disease. Therefore, it has been classified as a Variant of Uncertain Significance. Algorithms developed to predict the effect of missense changes on protein structure and function (SIFT, PolyPhen-2, Align-GVGD) all suggest that this variant is likely to be disruptive, but these predictions have not been confirmed by published functional studies and their clinical significance is uncertain. This variant has not been reported in the literature in individuals with KIT-related disease. This variant is not present in population databases (ExAC no frequency). This sequence change replaces alanine with threonine at codon 493 of the KIT protein (p.Ala493Thr). The alanine residue is highly conserved and there is a small physicochemical difference between alanine and threonine.